The following is an entry in ClinVar:

NM_004168.4(SDHA):c.454G>A (p.Glu152Lys)

Gene: SDHA (succinate dehydrogenase complex flavoprotein subunit A; plus strand). Cytogenetic location: 5p15.33.
Variant type: single nucleotide variant.
Coding change: c.454G>A on transcript NM_004168.4 (MANE Select); coding-DNA position 454, G replaced by A.
Protein change: p.Glu152Lys; replaces glutamic acid 152 with lysine.
Molecular consequence: missense variant. On other transcripts: intron variant (1).
Genome position (GRCh38, 1-based): chr5:225,560, G>A. VCF-style: chr5-225560-G-A. GRCh37 (hg19) VCF-style: chr5-225675-G-A.
Other names: p.E152K; c.454G>A, p.Glu152Lys (NM_001330758.2); c.313-323G>A (NM_001294332.2); short protein forms E152K.
Identifiers: ClinVar variation 472390 (VCV000472390.22), dbSNP rs778737664, ClinGen allele CA3172828.
Genomic context (GRCh38, chr5:225,560, plus strand): 5'-TGGCTGGGGGACCAGGATGCCATCCACTACATGACGGAGCAGGCCCCCGCCGCCGTGGTC[G>A]AGGTGATGGGCGGGAGGCTCTGGGTGTTCTCGTGGTCTGTTTCTAGTACAAAAGAATCCT-3'
Protein context (NP_004159.2, residues 142-162): MTEQAPAAVV[Glu152Lys]LENYGMPFSR

ClinVar aggregate classification (germline): Conflicting classifications of pathogenicity. Review status: criteria provided, conflicting classifications (1 of 4 stars). 6 submissions from 6 submitters: Pathogenic (1); Likely pathogenic (1); Uncertain significance (3). 1 of the submissions does not count toward it. Last evaluated 2026-01-16.

Conditions:
Mitochondrial complex II deficiency, nuclear type 1. Also called: SUCCINATE CoQ REDUCTASE DEFICIENCY. Identifiers: Orphanet 3208, MedGen C5700310, MONDO:0100294, OMIM 252011.
Pheochromocytoma/paraganglioma syndrome 5. Also called: Paragangliomas 5; SDHA-Related Hereditary Paraganglioma-Pheochromocytoma Syndrome. Identifiers: Orphanet 29072, MedGen C3279992, MONDO:0013602, OMIM 614165.
Dilated cardiomyopathy 1GG (CMD1GG). Identifiers: Orphanet 154, MedGen C3150898, MONDO:0013339, OMIM 613642.
Hereditary cancer-predisposing syndrome. Also called: Neoplastic Syndromes, Hereditary; Hereditary Cancer Syndrome; Hereditary neoplastic syndrome; Tumor predisposition. Identifiers: Orphanet 140162, MedGen C0027672, MeSH D009386, MONDO:0015356.

Allele frequency attached by ClinVar (database versions not stated): ExAC 0.00001; TOPMed 0.00002; gnomAD 0.00003.
gnomAD v4.1: 34 of 1,613,840 alleles (0.0021%); highest among the groups gnomAD compares: Non-Finnish European, 0.0027%; no homozygotes.

Submissions (6):

Labcorp Genetics (formerly Invitae), Labcorp
Classification: Pathogenic for Pheochromocytoma/paraganglioma syndrome 5; Mitochondrial complex II deficiency, nuclear type 1. Last evaluated: 2026-01-16. Review status: criteria provided, single submitter. Criteria: Invitae Variant Classification Sherloc (09022015). Collection method: clinical testing. Allele origin: germline.
Comment: This sequence change replaces glutamic acid, which is acidic and polar, with lysine, which is basic and polar, at codon 152 of the SDHA protein (p.Glu152Lys). This variant is present in population databases (rs778737664, gnomAD 0.003%). This missense change has been observed in individual(s) with clinical features of autosomal recessive mitochondrial complex II deficiency (PMID: 33960148; internal data). In at least one individual the data is consistent with being in trans (on the opposite chromosome) from a pathogenic variant. It has also been observed to segregate with disease in related individuals. ClinVar contains an entry for this variant (Variation ID: 472390). An algorithm developed to predict the effect of missense changes on protein structure and function (PolyPhen-2) suggests that this variant is likely to be disruptive. RNA analysis performed to evaluate the impact of this missense change on mRNA splicing indicates it does not significantly alter splicing (internal data). For these reasons, this variant has been classified as Pathogenic.

Ambry Genetics
Classification: Likely pathogenic for Hereditary cancer-predisposing syndrome. Last evaluated: 2025-04-02. Review status: criteria provided, single submitter. Criteria: Ambry Variant Classification Scheme 2023. Collection method: clinical testing. Allele origin: germline.
Comment: The p.E152K variant (also known as c.454G>A), located in coding exon 4 of the SDHA gene, results from a G to A substitution at nucleotide position 454. The glutamic acid at codon 152 is replaced by lysine, an amino acid with similar properties. This alteration has been identified in trans with a pathogenic SDHA mutation in multiple individuals with features of Complex II Deficiency (Sturrock BRH et al. Mol Genet Genomic Med, 2021 Jun;9:e1692; external communication). It has also been reported in one individual with no personal or family history of PGL/PCC (Rana HQ et al. Cancers (Basel). 2024 Feb;16(5)). This amino acid position is highly conserved in available vertebrate species. In addition, this alteration is predicted to be deleterious by in silico analysis. Based on the majority of available evidence to date, this variant is likely to be pathogenic.

Molecular Pathology, Peter Maccallum Cancer Centre
Classification: Uncertain significance for Pheochromocytoma/paraganglioma syndrome 5. Last evaluated: 2024-07-30. Review status: criteria provided, single submitter. Criteria: ACMG Guidelines, 2015. Collection method: clinical testing. Allele origin: germline. Inheritance: Autosomal dominant inheritance.

GeneDx
Classification: Uncertain significance. Last evaluated: 2024-07-22. Review status: criteria provided, single submitter. Criteria: GeneDx Variant Classification Process June 2021. Collection method: clinical testing. Allele origin: germline. Affected: yes.
Comment: Not observed at significant frequency in large population cohorts (gnomAD); In silico analysis supports that this missense variant has a deleterious effect on protein structure/function; This variant is associated with the following publications: (PMID: 33960148)

Baylor Genetics
Classification: Uncertain significance for Dilated cardiomyopathy 1GG. Last evaluated: 2024-03-14. Review status: criteria provided, single submitter. Criteria: ACMG Guidelines, 2015. Collection method: clinical testing. Allele origin: unknown.

Undiagnosed Diseases Network, NIH
Classification: Uncertain significance for Mitochondrial complex II deficiency, nuclear type 1. Last evaluated: 2022-08-04. Review status: no assertion criteria provided. Collection method: clinical testing. Allele origin: paternal. Affected: yes. Observed: 1 variant allele, 1 compound heterozygote. Study: Undiagnosed Diseases Network (NIH), UDN. Not counted in ClinVar's aggregate classification.

Literature cited by the submitters: PubMed 33960148 (cited by 3 submitters); PubMed 38473309 (cited by Ambry Genetics).